The following is an entry in ClinVar:

Conditions:
Breast-ovarian cancer, familial, susceptibility to, 1 (BROVCA1). Also called: BRCA1 Hereditary Breast and Ovarian Cancer; OVARIAN CANCER, SUSCEPTIBILITY TO. Identifiers: Orphanet 145, MedGen C2676676, MONDO:0011450, OMIM 604370. Disease mechanism: loss of function.

Submission:

Brotman Baty Institute, University of Washington
No classification provided (evidence only). Condition: Breast-ovarian cancer, familial 1. Review status: no classification provided. Collection method: in vitro. Allele origin: not applicable. Functional consequence: functionally_normal.
ClinVar note: "not provided" was previously submitted as the classification for the variant. However, the classification appeared to be based only on an observation of functional data so it was converted to no classification on 2025-07-30.

NM_007294.4(BRCA1):c.5332+16A>C

Gene: BRCA1 (BRCA1 DNA repair associated; minus strand). Cytogenetic location: 17q21.31.
Variant type: single nucleotide variant.
Coding change: c.5332+16A>C on transcript NM_007294.4 (MANE Select); 16 bases into the intron after coding-DNA position 5332, A replaced by C.
Molecular consequence: intron variant.
Genome position (GRCh38, 1-based): chr17:43,051,047, T>G on the plus strand (A>C on the coding strand, the complement: BRCA1 is on the minus strand). VCF-style: chr17-43051047-T-G. GRCh37 (hg19) VCF-style: chr17-41203064-T-G.
Other names: c.1879+16A>C (NM_001408458.1, NM_001408461.1, NM_001408464.1 and 7 more transcripts); c.4441+16A>C (NM_001407967.1); c.4951+16A>C (NM_001407959.1); c.5065+16A>C (NM_001407931.1, NM_001407932.1, NM_001407928.1 and 4 more transcripts); c.5188+16A>C (NM_001407747.1, NM_001407745.1, NM_001407737.1 and 21 more transcripts); c.4948+16A>C (NM_001407962.1, NM_001407960.1); c.1519+16A>C (NM_001408512.1); c.1642+16A>C (NM_001408510.1); and 74 more.
Identifiers: ClinVar variation 865331 (VCV000865331.3), dbSNP rs1057522497, ClinGen allele CA916080982.